The following is an entry in ClinVar:

ClinVar aggregate classification (germline): Likely pathogenic (1 of 4 stars; one submission).

Conditions:
Junctional epidermolysis bullosa. Identifiers: Orphanet 305, MedGen C0079301, MONDO:0017612.

Submission:

Myriad Genetics, Inc.
Classification: Likely pathogenic for Junctional epidermolysis bullosa. Last evaluated: 2021-12-24. Review status: criteria provided, single submitter. Criteria: Myriad Autosomal Dominant, Autosomal Recessive and X-Linked Classification Criteria (2023). Collection method: clinical testing. Allele origin: unknown.
Comment: NM_000228.2(LAMB3):c.444C>G(Y148*) is expected to be pathogenic in the context of junctional epidermolysis bullosa, LAMB3-related. This variant is predicted to lead to an abnormal or absent protein product due to the creation of a premature termination codon in LAMB3, a gene where loss-of-function variants are known to be pathogenic. Please note: this variant was assessed in the context of healthy population screening.

NM_000228.3(LAMB3):c.444C>G (p.Tyr148Ter)

Gene: LAMB3 (laminin subunit beta 3; minus strand). Cytogenetic location: 1q32.2.
Variant type: single nucleotide variant.
Coding change: c.444C>G on transcript NM_000228.3 (MANE Select); coding-DNA position 444, C replaced by G.
Protein change: p.Tyr148Ter; replaces tyrosine 148 with a stop codon.
Molecular consequence: nonsense.
Genome position (GRCh38, 1-based): chr1:209,634,567, G>C on the plus strand (C>G on the coding strand, the complement: LAMB3 is on the minus strand). VCF-style: chr1-209634567-G-C. GRCh37 (hg19) VCF-style: chr1-209807912-G-C.
Other names: c.444C>G, p.Tyr148Ter (NM_001017402.2, NM_001127641.1); short protein forms Y148*.
Identifiers: ClinVar variation 1726577 (VCV001726577.3), dbSNP rs200607251, ClinGen allele CA344596054.